The following is an entry in ClinVar:

ClinVar aggregate classification (germline): Conflicting classifications of pathogenicity. Review status: criteria provided, conflicting classifications (1 of 4 stars). 9 submissions from 8 submitters: Uncertain significance (5); Likely benign (2). 2 of the submissions do not count toward it. Last evaluated 2026-01-14.

Conditions:
Inborn genetic diseases. Identifiers: MedGen C0950123, MeSH D030342.
Meckel-Gruber syndrome. Also called: Dysencephalia splachnocystica; DYSENCEPHALIA SPLANCHNOCYSTICA; GRUBER SYNDROME. Identifiers: Orphanet 564, MedGen C0265215, MONDO:0018921.
Joubert syndrome. Also called: JOUBERT-BOLTSHAUSER SYNDROME; Familial aplasia of the vermis. Identifiers: Orphanet 475, MedGen C5979921, MONDO:0018772.
Meckel syndrome, type 6. Identifiers: Orphanet 564, MedGen C2676790, MONDO:0012848, OMIM 612284.
Joubert syndrome 9 (JBTS9). Identifiers: Orphanet 2318, MedGen C2676788, MONDO:0012849, OMIM 612285.

Allele frequency attached by ClinVar (database versions not stated): ESP Exome Variant Server 0.00008; TOPMed 0.00012; gnomAD exomes 0.00022 and 0.00029; gnomAD 0.00025 and 0.00027; ExAC 0.00051.
gnomAD v4.1: 368 of 1,595,498 alleles (0.023%); highest among the groups gnomAD compares: Non-Finnish European, 0.024%; no homozygotes.

Submissions (9):

Labcorp Genetics (formerly Invitae), Labcorp
Classification: Likely benign for Joubert syndrome; Meckel-Gruber syndrome. Last evaluated: 2026-01-14. Review status: criteria provided, single submitter. Criteria: Invitae Variant Classification Sherloc (09022015). Collection method: clinical testing. Allele origin: germline.

Blueprint Genetics
Classification: Likely benign. Last evaluated: 2024-09-25. Review status: criteria provided, single submitter. Criteria: ACMG Guidelines, 2015. Collection method: clinical testing. Allele origin: germline.

GeneDx
Classification: Uncertain significance. Last evaluated: 2022-09-06. Review status: criteria provided, single submitter. Criteria: GeneDx Variant Classification Process June 2021. Collection method: clinical testing. Allele origin: germline. Affected: yes.
Comment: In silico analysis supports that this missense variant does not alter protein structure/function; Has not been previously published as pathogenic or benign to our knowledge

Ambry Genetics
Classification: Uncertain significance for Inborn genetic diseases. Last evaluated: 2022-08-18. Review status: criteria provided, single submitter. Criteria: Ambry Variant Classification Scheme 2023. Collection method: clinical testing. Allele origin: germline.

Illumina Laboratory Services, Illumina
Classification: Uncertain significance for Meckel syndrome, type 6. Last evaluated: 2018-01-13. Review status: criteria provided, single submitter. Criteria: ICSL Variant Classification Criteria 13 December 2019. Collection method: clinical testing. Allele origin: germline.

Illumina Laboratory Services, Illumina
Classification: Uncertain significance for Joubert syndrome 9. Last evaluated: 2018-01-13. Review status: criteria provided, single submitter. Criteria: ICSL Variant Classification Criteria 13 December 2019. Collection method: clinical testing. Allele origin: germline.

Eurofins Ntd Llc (ga)
Classification: Uncertain significance. Last evaluated: 2018-01-02. Review status: criteria provided, single submitter. Criteria: EGL Classification Definitions 2015. Collection method: clinical testing. Allele origin: germline. Observed: 1 variant allele, 1 heterozygote.

Clinical Genetics DNA and cytogenetics Diagnostics Lab, Erasmus MC, Erasmus Medical Center
Classification: Uncertain significance. Review status: no assertion criteria provided. Collection method: clinical testing. Allele origin: germline. Affected: yes. Study: VKGL Data-share Consensus. Not counted in ClinVar's aggregate classification.

Clinical Genetics, Academic Medical Center
Classification: Uncertain significance. Review status: no assertion criteria provided. Collection method: clinical testing. Allele origin: germline. Affected: yes. Study: VKGL Data-share Consensus. Not counted in ClinVar's aggregate classification.

NM_001378615.1(CC2D2A):c.2056G>A (p.Val686Met)

Genes: FBXL5 (F-box and leucine rich repeat protein 5; minus strand), CC2D2A (coiled-coil and C2 domain containing 2A; plus strand). Cytogenetic location: 4p15.32.
Variant type: single nucleotide variant.
Coding change: c.2056G>A on transcript NM_001378615.1 (MANE Select); coding-DNA position 2056, G replaced by A.
Protein change: p.Val686Met; replaces valine 686 with methionine.
Molecular consequence: missense variant.
Genome position (GRCh38, 1-based): chr4:15,540,889, G>A. VCF-style: chr4-15540889-G-A. GRCh37 (hg19) VCF-style: chr4-15542512-G-A.
Other names: c.2056G>A, p.Val686Met (NM_001080522.2); c.1909G>A, p.Val637Met (NM_001378617.1); short protein forms V686M, V637M.
Identifiers: ClinVar variation 347764 (VCV000347764.26), dbSNP rs369476930, ClinGen allele CA2863839.